The following is an entry in ClinVar:

ClinVar aggregate classification (germline): Uncertain significance (1 of 4 stars; one submission).

Allele frequency attached by ClinVar (database versions not stated): TOPMed below 0.00001; gnomAD 0.00001; gnomAD exomes 0.00001.

Submission:

Labcorp Genetics (formerly Invitae), Labcorp
Classification: Uncertain significance. Last evaluated: 2023-10-17. Review status: criteria provided, single submitter. Criteria: Invitae Variant Classification Sherloc (09022015). Collection method: clinical testing. Allele origin: germline.
Comment: This sequence change replaces proline, which is neutral and non-polar, with leucine, which is neutral and non-polar, at codon 13 of the IFITM5 protein (p.Pro13Leu). The frequency data for this variant in the population databases is considered unreliable, as metrics indicate poor data quality at this position in the gnomAD database. This variant has not been reported in the literature in individuals affected with IFITM5-related conditions. Algorithms developed to predict the effect of missense changes on protein structure and function output the following: SIFT: "Not Available"; PolyPhen-2: "Benign"; Align-GVGD: "Not Available". The leucine amino acid residue is found in multiple mammalian species, which suggests that this missense change does not adversely affect protein function. In summary, the available evidence is currently insufficient to determine the role of this variant in disease. Therefore, it has been classified as a Variant of Uncertain Significance.

NM_001025295.3(IFITM5):c.38C>T (p.Pro13Leu)

Gene: IFITM5 (interferon induced transmembrane protein 5; minus strand). Cytogenetic location: 11p15.5.
Variant type: single nucleotide variant.
Coding change: c.38C>T on transcript NM_001025295.3 (MANE Select); coding-DNA position 38, C replaced by T.
Protein change: p.Pro13Leu; replaces proline 13 with leucine.
Molecular consequence: missense variant.
Genome position (GRCh38, 1-based): chr11:299,453, G>A on the plus strand (C>T on the coding strand, the complement: IFITM5 is on the minus strand). VCF-style: chr11-299453-G-A. GRCh37 (hg19) VCF-style: chr11-299453-G-A.
Other names: short protein forms P13L.
Identifiers: ClinVar variation 2723518 (VCV002723518.3), dbSNP rs1383875292, ClinGen allele CA378891121.
Genomic context (GRCh38, chr11:299,453, plus strand): 5'-GGCGGGGGGTGCGGGGCCCCCAGTGTGAGGGCTGTGTGGGCACCGGCCTTGCTGGGCGTG[G>A]GGGCCCGGGTGTCCTCGCGGGGATACGCCGTGTCCATGGGTTCCAGCGCCGTCTCTTCCA-3'
Protein context (NP_001020466.1, residues 3-23): TAYPREDTRA[Pro13Leu]TPSKAGAHTA